The following is an entry in ClinVar:

NM_177438.3(DICER1):c.4947G>A (p.Met1649Ile)

Gene: DICER1 (dicer 1, ribonuclease III; minus strand). Cytogenetic location: 14q32.13.
Variant type: single nucleotide variant.
Coding change: c.4947G>A on transcript NM_177438.3 (MANE Select); coding-DNA position 4947, G replaced by A.
Protein change: p.Met1649Ile; replaces methionine 1649 with isoleucine.
Molecular consequence: missense variant.
Genome position (GRCh38, 1-based): chr14:95,095,973, C>T on the plus strand (G>A on the coding strand, the complement: DICER1 is on the minus strand). VCF-style: chr14-95095973-C-T. GRCh37 (hg19) VCF-style: chr14-95562310-C-T.
Other names: c.4947G>A, p.Met1649Ile (NM_001195573.1, NM_001271282.3, NM_001291628.2 and 1 more transcripts); short protein forms M1649I.
Identifiers: ClinVar variation 477227 (VCV000477227.13), dbSNP rs1274381410, ClinGen allele CA390866253.
Genomic context (GRCh38, chr14:95,095,973, plus strand): 5'-AAAATTTTCAAACCCCGATATAAGGTGATTCAGTGTTTTATCTGCATCTGGATGATCAAA[C>T]ATACATCTTGGTGGAATCTTCAAACAACCATATTCCGAGTCTTTCAATACAGAAGAGCGT-3'
Protein context (NP_803187.1, residues 1639-1659): YGCLKIPPRC[Met1649Ile]FDHPDADKTL

ClinVar aggregate classification (germline): Uncertain significance. Review status: criteria provided, multiple submitters, no conflicts (2 of 4 stars). 4 submissions from 4 submitters: Uncertain significance (4). Last evaluated 2024-04-15.

Conditions:
DICER1-related tumor predisposition. Also called: DICER1-related pleuropulmonary blastoma cancer predisposition syndrome; DICER1 syndrome. Identifiers: Orphanet 284343, MedGen C3839822, MONDO:0100216.
Hereditary cancer-predisposing syndrome. Also called: Tumor predisposition; Neoplastic Syndromes, Hereditary; Hereditary Cancer Syndrome; Hereditary neoplastic syndrome. Identifiers: Orphanet 140162, MedGen C0027672, MeSH D009386, MONDO:0015356.

Allele frequency attached by ClinVar (database versions not stated): gnomAD exomes below 0.00001 and 0.00002; TOPMed below 0.00001.

Submissions (4):

Ambry Genetics
Classification: Uncertain significance for Hereditary cancer-predisposing syndrome. Last evaluated: 2024-04-15. Review status: criteria provided, single submitter. Criteria: Ambry Variant Classification Scheme 2023. Collection method: clinical testing. Allele origin: germline.
Comment: The p.M1649I variant (also known as c.4947G>A), located in coding exon 22 of the DICER1 gene, results from a G to A substitution at nucleotide position 4947. The methionine at codon 1649 is replaced by isoleucine, an amino acid with highly similar properties. This amino acid position is highly conserved in available vertebrate species. In addition, the in silico prediction for this alteration is inconclusive. Based on the available evidence, the clinical significance of this variant remains unclear.

Labcorp Genetics (formerly Invitae), Labcorp
Classification: Uncertain significance for DICER1-related tumor predisposition. Last evaluated: 2023-11-20. Review status: criteria provided, single submitter. Criteria: Invitae Variant Classification Sherloc (09022015). Collection method: clinical testing. Allele origin: germline.
Comment: This sequence change replaces methionine, which is neutral and non-polar, with isoleucine, which is neutral and non-polar, at codon 1649 of the DICER1 protein (p.Met1649Ile). This variant is present in population databases (no rsID available, gnomAD 0.0009%). This variant has not been reported in the literature in individuals affected with DICER1-related conditions. ClinVar contains an entry for this variant (Variation ID: 477227). An algorithm developed to predict the effect of missense changes on protein structure and function (PolyPhen-2) suggests that this variant¬†is likely to be tolerated. In summary, the available evidence is currently insufficient to determine the role of this variant in disease. Therefore, it has been classified as a Variant of Uncertain Significance.

GeneDx
Classification: Uncertain significance. Last evaluated: 2023-06-09. Review status: criteria provided, single submitter. Criteria: GeneDx Variant Classification Process June 2021. Collection method: clinical testing. Allele origin: germline. Affected: yes.
Comment: Not observed at significant frequency in large population cohorts (gnomAD); In silico analysis supports that this missense variant does not alter protein structure/function; Has not been previously published as pathogenic or benign to our knowledge

Quest Diagnostics Nichols Institute San Juan Capistrano
Classification: Uncertain significance. Last evaluated: 2023-02-10. Review status: criteria provided, single submitter. Criteria: Quest Diagnostics criteria. Collection method: clinical testing. Allele origin: unknown.
Comment: The variant has not been reported in individuals with DICER1-related conditions in the published literature. The frequency of this variant in the general population, 0.000004 (1/251428 chromosomes), is uninformative in assessment of its pathogenicity. Analysis of this variant using bioinformatics tools for the prediction of the effect of amino acid changes on protein structure and function yielded predictions that this variant is benign. Based on the available information, we are unable to determine the clinical significance of this variant.